The following is an entry in ClinVar:

ClinVar aggregate classification (germline): Likely benign. Review status: criteria provided, multiple submitters, no conflicts (2 of 4 stars). 4 submissions from 4 submitters: Likely benign (4). Last evaluated 2025-12-28.

Conditions:
Ataxia-telangiectasia syndrome (AT). Also called: ATAXIA-TELANGIECTASIA, COMPLEMENTATION GROUP A; ATAXIA-TELANGIECTASIA, FRESNO VARIANT; Ataxia-telangiectasia; Ataxia-telangiectasia, complementation group E; Cerebello-oculocutaneous telangiectasia; Immunodeficiency with ataxia telangiectasia. Identifiers: Orphanet 100, MedGen C0004135, MONDO:0008840, OMIM 208900.
Hereditary cancer-predisposing syndrome. Also called: Hereditary Cancer Syndrome; Tumor predisposition; Hereditary neoplastic syndrome; Neoplastic Syndromes, Hereditary. Identifiers: Orphanet 140162, MedGen C0027672, MeSH D009386, MONDO:0015356.

Allele frequency attached by ClinVar (database versions not stated): TOPMed below 0.00001; gnomAD 0.00001.
gnomAD v4.1: 2 of 1,613,138 alleles (0.00012%); highest among the groups gnomAD compares: East Asian, 0.0022%; no homozygotes.

Submissions (4):

Labcorp Genetics (formerly Invitae), Labcorp
Classification: Likely benign for Ataxia-telangiectasia syndrome. Last evaluated: 2025-12-28. Review status: criteria provided, single submitter. Criteria: Invitae Variant Classification Sherloc (09022015). Collection method: clinical testing. Allele origin: germline.

Blueprint Genetics
Classification: Likely benign. Last evaluated: 2020-01-29. Review status: criteria provided, single submitter. Criteria: ACMG Guidelines, 2015. Collection method: clinical testing. Allele origin: germline.

Color Diagnostics, LLC DBA Color Health
Classification: Likely benign for Hereditary cancer-predisposing syndrome. Last evaluated: 2019-02-22. Review status: criteria provided, single submitter. Criteria: ACMG Guidelines, 2015. Collection method: clinical testing. Allele origin: germline.

GeneDx
Classification: Likely benign. Last evaluated: 2017-02-22. Review status: criteria provided, single submitter. Criteria: GeneDx Variant Classification (06012015). Collection method: clinical testing. Allele origin: germline. Affected: yes.
Comment: This variant is considered likely benign or benign based on one or more of the following criteria: it is a conservative change, it occurs at a poorly conserved position in the protein, it is predicted to be benign by multiple in silico algorithms, and/or has population frequency not consistent with disease.

NM_000051.4(ATM):c.1065+18T>A

Gene: ATM (ATM serine/threonine kinase; plus strand). Cytogenetic location: 11q22.3.
Variant type: single nucleotide variant.
Coding change: c.1065+18T>A on transcript NM_000051.4 (MANE Select); 18 bases into the intron after coding-DNA position 1065, T replaced by A.
Molecular consequence: intron variant.
Genome position (GRCh38, 1-based): chr11:108,247,145, T>A. VCF-style: chr11-108247145-T-A. GRCh37 (hg19) VCF-style: chr11-108117872-T-A.
Other names: c.1065+18T>A (NM_001351834.2).
Identifiers: ClinVar variation 507635 (VCV000507635.12), dbSNP rs774940342, ClinGen allele CA602132506.
Genomic context (GRCh38, chr11:108,247,145, plus strand): 5'-CAAAGAAAATTTGATTGAATTGATGGCAGATATCTGTCACCAGGTACAGTAAGTAGGTCA[T>A]GTCACATTTAGAAATTTCCTGTTAATTTTTTTTTTAAACTGGGCATTTTGGGCTTTTAAA-3'